The following is an entry in ClinVar:

ClinVar aggregate classification (germline): Uncertain significance. Review status: criteria provided, multiple submitters, no conflicts (2 of 4 stars). 3 submissions from 3 submitters: Uncertain significance (3). Last evaluated 2026-06-20.

Conditions:
PCNT-related disorder. Also called: PCNT-related condition.
Inborn genetic diseases. Identifiers: MedGen C0950123, MeSH D030342.

Allele frequency attached by ClinVar (database versions not stated): TOPMed 0.00001; gnomAD exomes 0.00002; ExAC 0.00003; gnomAD 0.00003.

Submissions (3):

PreventionGenetics, part of Exact Sciences
Classification: Uncertain significance for PCNT-related condition. Last evaluated: 2026-06-20. Review status: criteria provided, single submitter. Criteria: ACMG Guidelines, 2015. Collection method: clinical testing. Allele origin: germline.
Comment: The PCNT c.3691G>A variant is predicted to result in the amino acid substitution p.Val1231Met. To our knowledge, this variant has not been reported in the literature. This variant is reported in 0.016% of alleles in individuals of South Asian descent in gnomAD. At this time, the clinical significance of this variant is uncertain due to the absence of conclusive functional and genetic evidence.

Labcorp Genetics (formerly Invitae), Labcorp
Classification: Uncertain significance. Last evaluated: 2025-09-22. Review status: criteria provided, single submitter. Criteria: Invitae Variant Classification Sherloc (09022015). Collection method: clinical testing. Allele origin: germline.
Comment: This sequence change replaces valine, which is neutral and non-polar, with methionine, which is neutral and non-polar, at codon 1231 of the PCNT protein (p.Val1231Met). This variant is present in population databases (rs779000576, gnomAD 0.02%). This variant has not been reported in the literature in individuals affected with PCNT-related conditions. ClinVar contains an entry for this variant (Variation ID: 3210365). An algorithm developed to predict the effect of missense changes on protein structure and function outputs the following: PolyPhen-2: "Benign". The methionine amino acid residue is found in multiple mammalian species, which suggests that this missense change does not adversely affect protein function. In summary, the available evidence is currently insufficient to determine the role of this variant in disease. Therefore, it has been classified as a Variant of Uncertain Significance.

Ambry Genetics
Classification: Uncertain significance for Inborn genetic diseases. Last evaluated: 2024-01-03. Review status: criteria provided, single submitter. Criteria: Ambry Variant Classification Scheme 2023. Collection method: clinical testing. Allele origin: germline.

NM_006031.6(PCNT):c.3691G>A (p.Val1231Met)

Gene: PCNT (pericentrin; plus strand). Cytogenetic location: 21q22.3.
Variant type: single nucleotide variant.
Coding change: c.3691G>A on transcript NM_006031.6 (MANE Select); coding-DNA position 3691, G replaced by A.
Protein change: p.Val1231Met; replaces valine 1231 with methionine.
Molecular consequence: missense variant.
Genome position (GRCh38, 1-based): chr21:46,389,282, G>A. VCF-style: chr21-46389282-G-A. GRCh37 (hg19) VCF-style: chr21-47809197-G-A.
Other names: c.3337G>A, p.Val1113Met (NM_001315529.2); short protein forms V1113M, V1231M.
Identifiers: ClinVar variation 3210365 (VCV003210365.3), dbSNP rs779000576, ClinGen allele CA10079418.
Genomic context (GRCh38, chr21:46,389,282, plus strand): 5'-TCTGATGTGGCCCTCCCGGAGTTGGACAGAACTTTGTCTGAATGTGCAGAGATGTCTTCC[G>A]TGGCTGAAATTAGCAGCCACATGCGTGAAAGCTTTCTCATGAGCCCAGAAAGTGTGCGGG-3'
Protein context (NP_006022.3, residues 1221-1241): TLSECAEMSS[Val1231Met]AEISSHMRES